The following is an entry in ClinVar:

ClinVar aggregate classification (germline): Uncertain significance (1 of 4 stars; one submission).

Submission:

GeneDx
Classification: Uncertain significance. Last evaluated: 2017-09-14. Review status: criteria provided, single submitter. Criteria: GeneDx Variant Classification (06012015). Collection method: clinical testing. Allele origin: germline. Affected: yes.
Comment: The D114G variant has not been published as a pathogenic variant, nor has it been reported as a benign variant to our knowledge. The D114G variant is not observed in large population cohorts (Lek et al., 2016). This variant is a non-conservative amino acid substitution, which is likely to impact secondary protein structure as these residues differ in polarity, charge, size and/or other properties. However, this substitution occurs at a position that is not conserved, and in silico analysis predicts this variant likely does not alter the protein structure/function.

NM_001126121.2(SLC25A19):c.341A>G (p.Asp114Gly)

Gene: SLC25A19 (solute carrier family 25 member 19; minus strand). Cytogenetic location: 17q25.1.
Variant type: single nucleotide variant.
Coding change: c.341A>G on transcript NM_001126121.2 (MANE Select); coding-DNA position 341, A replaced by G.
Protein change: p.Asp114Gly; replaces aspartic acid 114 with glycine.
Molecular consequence: missense variant.
Genome position (GRCh38, 1-based): chr17:75,283,541, T>C on the plus strand (A>G on the coding strand, the complement: SLC25A19 is on the minus strand). VCF-style: chr17-75283541-T-C. GRCh37 (hg19) VCF-style: chr17-73279622-T-C.
Other names: c.341A>G, p.Asp114Gly (NM_001126122.2, NM_021734.5); short protein forms D114G.
Identifiers: ClinVar variation 451970 (VCV000451970.2), dbSNP rs1555603881, ClinGen allele CA401004997.